The following is an entry in ClinVar:

ClinVar aggregate classification (germline): Uncertain significance (1 of 4 stars; one submission).

Conditions:
Hereditary cancer-predisposing syndrome. Also called: Hereditary Cancer Syndrome; Neoplastic Syndromes, Hereditary; Tumor predisposition; Hereditary neoplastic syndrome. Identifiers: Orphanet 140162, MedGen C0027672, MeSH D009386, MONDO:0015356.

Submission:

Ambry Genetics
Classification: Uncertain significance for Hereditary cancer-predisposing syndrome. Last evaluated: 2022-03-29. Review status: criteria provided, single submitter. Criteria: Ambry Variant Classification Scheme 2023. Collection method: clinical testing. Allele origin: germline.
Comment: The p.P1688A variant (also known as c.5062C>G), located in coding exon 38 of the POLE gene, results from a C to G substitution at nucleotide position 5062. The proline at codon 1688 is replaced by alanine, an amino acid with highly similar properties. This amino acid position is conserved. In addition, this alteration is predicted to be tolerated by in silico analysis. Since supporting evidence is limited at this time, the clinical significance of this alteration remains unclear.

NM_006231.4(POLE):c.5062C>G (p.Pro1688Ala)

Gene: POLE (DNA polymerase epsilon, catalytic subunit; minus strand). Cytogenetic location: 12q24.33.
Variant type: single nucleotide variant.
Coding change: c.5062C>G on transcript NM_006231.4 (MANE Select); coding-DNA position 5062, C replaced by G.
Protein change: p.Pro1688Ala; replaces proline 1688 with alanine.
Molecular consequence: missense variant.
Genome position (GRCh38, 1-based): chr12:132,642,288, G>C on the plus strand (C>G on the coding strand, the complement: POLE is on the minus strand). VCF-style: chr12-132642288-G-C. GRCh37 (hg19) VCF-style: chr12-133218874-G-C.
Other names: short protein forms P1688A.
Identifiers: ClinVar variation 1745113 (VCV001745113.2), dbSNP rs781114688, ClinGen allele CA387377078.